The following is an entry in ClinVar:

ClinVar aggregate classification (germline): Benign/Likely benign. Review status: criteria provided, multiple submitters, no conflicts (2 of 4 stars). 5 submissions from 5 submitters: Benign (2); Likely benign (3). Last evaluated 2025-08-11.

Conditions:
Hereditary cancer-predisposing syndrome. Also called: Neoplastic Syndromes, Hereditary; Tumor predisposition; Hereditary Cancer Syndrome; Hereditary neoplastic syndrome. Identifiers: Orphanet 140162, MedGen C0027672, MeSH D009386, MONDO:0015356.
Tuberous sclerosis 2 (TSC2). Identifiers: Orphanet 805, MedGen C1860707, MONDO:0013199, OMIM 613254.

Allele frequency attached by ClinVar (database versions not stated): gnomAD exomes below 0.00001.
gnomAD v4.1: 3 of 1,613,974 alleles (0.00019%); highest among the groups gnomAD compares: East Asian, 0.0022%; no homozygotes.

Submissions (5):

Labcorp Genetics (formerly Invitae), Labcorp
Classification: Likely benign for Tuberous sclerosis 2. Last evaluated: 2025-08-11. Review status: criteria provided, single submitter. Criteria: Invitae Variant Classification Sherloc (09022015). Collection method: clinical testing. Allele origin: germline.

Myriad Genetics, Inc.
Classification: Benign for Tuberous sclerosis 2. Last evaluated: 2025-05-21. Review status: criteria provided, single submitter. Criteria: Myriad Autosomal Dominant, Autosomal Recessive and X-Linked Classification Criteria (2023). Collection method: clinical testing. Allele origin: unknown.
Comment: This variant is considered benign. This variant is a silent/synonymous amino acid change and it is not expected to impact splicing.

Ambry Genetics
Classification: Likely benign for Hereditary cancer-predisposing syndrome. Last evaluated: 2023-04-14. Review status: criteria provided, single submitter. Criteria: Ambry Variant Classification Scheme 2023. Collection method: clinical testing. Allele origin: germline.

Genome-Nilou Lab
Classification: Benign for Tuberous sclerosis 2. Last evaluated: 2021-11-07. Review status: criteria provided, single submitter. Criteria: ACMG Guidelines, 2015. Collection method: clinical testing. Allele origin: germline. Affected: no.

GeneDx
Classification: Likely benign. Last evaluated: 2018-03-12. Review status: criteria provided, single submitter. Criteria: GeneDx Variant Classification (06012015). Collection method: clinical testing. Allele origin: germline. Affected: yes.
Comment: This variant is considered likely benign or benign based on one or more of the following criteria: it is a conservative change, it occurs at a poorly conserved position in the protein, it is predicted to be benign by multiple in silico algorithms, and/or has population frequency not consistent with disease.

NM_000548.5(TSC2):c.2658G>A (p.Val886=)

Gene: TSC2 (TSC complex subunit 2; plus strand). Cytogenetic location: 16p13.3.
Variant type: single nucleotide variant.
Coding change: c.2658G>A on transcript NM_000548.5 (MANE Select); coding-DNA position 2658, G replaced by A.
Protein change: p.Val886=; no amino-acid change (valine 886 retained).
Molecular consequence: synonymous variant.
Genome position (GRCh38, 1-based): chr16:2,076,086, G>A. VCF-style: chr16-2076086-G-A. GRCh37 (hg19) VCF-style: chr16-2126087-G-A.
Other names: c.2658G>A, p.Val886= (NM_001077183.3, NM_001114382.3, NM_001363528.2 and 3 more transcripts); c.2547G>A, p.Val849= (NM_001318827.2); c.2511G>A, p.Val837= (NM_001318829.2); c.2058G>A, p.Val686= (NM_001318831.2); c.2691G>A, p.Val897= (NM_001318832.2).
Identifiers: ClinVar variation 516012 (VCV000516012.16), dbSNP rs1035837417, ClinGen allele CA276741694.